The following is an entry in ClinVar:

NM_004715.5(CTDP1):c.2046G>A (p.Thr682=)

Gene: CTDP1 (CTD phosphatase 1; plus strand). Cytogenetic location: 18q23.
Variant type: single nucleotide variant.
Coding change: c.2046G>A on transcript NM_004715.5 (MANE Select); coding-DNA position 2046, G replaced by A.
Protein change: p.Thr682=; no amino-acid change (threonine 682 retained).
Molecular consequence: synonymous variant.
Genome position (GRCh38, 1-based): chr18:79,715,506, G>A. VCF-style: chr18-79715506-G-A. GRCh37 (hg19) VCF-style: chr18-77475506-G-A.
Other names: c.1689G>A, p.Thr563= (NM_001202504.1); c.2046G>A, p.Thr682= (NM_001318511.2, NM_048368.4).
Identifiers: ClinVar variation 5041272 (VCV005041272.1).

ClinVar aggregate classification (germline): Likely benign (1 of 4 stars; one submission).

gnomAD v4.1: 26 of 1,562,916 alleles (0.0017%); highest among the groups gnomAD compares: East Asian, 0.0047%; no homozygotes.

Submission:

CeGaT Center for Human Genetics Tuebingen
Classification: Likely benign. Last evaluated: 2026-09-01. Review status: criteria provided, single submitter. Criteria: CeGaT Center For Human Genetics Tuebingen Variant Classification Criteria Version 2. Collection method: clinical testing. Allele origin: germline. Affected: yes. Observed: 1 variant allele.
Comment: CTDP1: BP4, BP7